The following is an entry in ClinVar:

NM_006516.4(SLC2A1):c.1421A>C (p.Gln474Pro)

Gene: SLC2A1 (solute carrier family 2 member 1; minus strand). Cytogenetic location: 1p34.2.
Variant type: single nucleotide variant.
Coding change: c.1421A>C on transcript NM_006516.4 (MANE Select); coding-DNA position 1421, A replaced by C.
Protein change: p.Gln474Pro; replaces glutamine 474 with proline.
Molecular consequence: missense variant.
Genome position (GRCh38, 1-based): chr1:42,927,099, T>G on the plus strand (A>C on the coding strand, the complement: SLC2A1 is on the minus strand). VCF-style: chr1-42927099-T-G. GRCh37 (hg19) VCF-style: chr1-43392770-T-G.
Other names: short protein forms Q474P.
Identifiers: ClinVar variation 2612216 (VCV002612216.3), dbSNP rs2524981828, ClinGen allele CA339952691.
Genomic context (GRCh38, chr1:42,927,099, plus strand): 5'-ACTCACACTTGGGAATCAGCCCCCAGGGGATGGAACAGCTCCTCGGGTGTCTTGTCACTT[T>G]GGCTGGCTCCCCCCTGCCGGAAGCCGGAAGCGATCTCATCGAAGGTCCGGCCTTTAGTCT-3'
Protein context (NP_006507.2, residues 464-484): ASGFRQGGAS[Gln474Pro]SDKTPEELFH

ClinVar aggregate classification (germline): Uncertain significance. Review status: criteria provided, multiple submitters, no conflicts (2 of 4 stars). 2 submissions from 2 submitters: Uncertain significance (2). Last evaluated 2025-11-17.

Conditions:
GLUT1 deficiency syndrome 1, autosomal recessive. Identifiers: MedGen C3149117.
Inborn genetic diseases. Identifiers: MedGen C0950123, MeSH D030342.

Allele frequency attached by ClinVar (database versions not stated): gnomAD exomes below 0.00001.
gnomAD v4.1: 1 of 1,614,186 alleles (0.000062%); highest among the groups gnomAD compares: Non-Finnish European, 0.000085%; no homozygotes.

Submissions (2):

Labcorp Genetics (formerly Invitae), Labcorp
Classification: Uncertain significance for GLUT1 deficiency syndrome 1, autosomal recessive. Last evaluated: 2025-11-17. Review status: criteria provided, single submitter. Criteria: Invitae Variant Classification Sherloc (09022015). Collection method: clinical testing. Allele origin: germline.
Comment: This sequence change replaces glutamine, which is neutral and polar, with proline, which is neutral and non-polar, at codon 474 of the SLC2A1 protein (p.Gln474Pro). This variant is not present in population databases (gnomAD no frequency). This variant has not been reported in the literature in individuals affected with SLC2A1-related conditions. ClinVar contains an entry for this variant (Variation ID: 2612216). An algorithm developed to predict the effect of missense changes on protein structure and function outputs the following: PolyPhen-2: "Benign". The proline amino acid residue is found in multiple mammalian species, which suggests that this missense change does not adversely affect protein function. In summary, the available evidence is currently insufficient to determine the role of this variant in disease. Therefore, it has been classified as a Variant of Uncertain Significance.

Ambry Genetics
Classification: Uncertain significance for Inborn genetic diseases. Last evaluated: 2023-07-17. Review status: criteria provided, single submitter. Criteria: Ambry Variant Classification Scheme 2023. Collection method: clinical testing. Allele origin: germline.